The following is an entry in ClinVar:

NM_006767.4(LZTR1):c.1004del (p.Ala335fs)

Gene: LZTR1 (leucine zipper like post translational regulator 1; plus strand). Cytogenetic location: 22q11.21.
Variant type: Deletion.
Coding change: c.1004del on transcript NM_006767.4 (MANE Select); coding-DNA position 1004, one base deleted (C; older notation c.1004delC).
Protein change: p.Ala335fs; shifts the reading frame from alanine 335.
Molecular consequence: frameshift variant.
Genome position (GRCh38, 1-based): chr22:20,992,224, C deleted. VCF-style (leftmost placement, unchanged base first): chr22-20992223-GC-G. GRCh37 (hg19) VCF-style: chr22-21346512-GC-G.
Other names: short protein forms A335fs.
Identifiers: ClinVar variation 3993211 (VCV003993211.1).

ClinVar aggregate classification (germline): Pathogenic (1 of 4 stars; one submission).

Conditions:
Cardiovascular phenotype. Identifiers: MedGen CN230736.
Hereditary cancer-predisposing syndrome. Also called: Tumor predisposition; Hereditary neoplastic syndrome; Neoplastic Syndromes, Hereditary; Hereditary Cancer Syndrome. Identifiers: Orphanet 140162, MedGen C0027672, MeSH D009386, MONDO:0015356.

Submission:

Ambry Genetics
Classification: Pathogenic for Cardiovascular phenotype; Hereditary cancer-predisposing syndrome. Last evaluated: 2025-05-23. Review status: criteria provided, single submitter. Criteria: Ambry Variant Classification Scheme 2023. Collection method: clinical testing. Allele origin: germline.
Comment: The c.1004delC pathogenic mutation, located in coding exon 10 of the LZTR1 gene, results from a deletion of one nucleotide at nucleotide position 1004, causing a translational frameshift with a predicted alternate stop codon (p.A335Vfs*16). This variant is considered to be rare based on population cohorts in the Genome Aggregation Database (gnomAD). This alteration is expected to result in loss of function by premature protein truncation or nonsense-mediated mRNA decay. Loss-of-function variants in LZTR1 are related to an increased risk for schwannomas and autosomal recessive Noonan syndrome; however, such associations with autosomal dominant Noonan syndrome have not been observed (Piotrowski A et al. Nat Genet. 2014 Feb;46:182-7; Yamamoto GL et al. J Med Genet. 2015 Jun;52:413-21; Johnston JJ et al. Genet Med. 2018 10;20:1175-1185). Based on the supporting evidence, this variant is pathogenic for an increased risk of LZTR1-related schwannomatosis (SWN) and would be expected to cause autosomal recessive Noonan syndrome when present along with a second pathogenic or likely pathogenic variant on the other allele; however, the association of this alteration with autosomal dominant Noonan syndrome is unlikely.